The following is an entry in ClinVar:

NM_012293.3(PXDN):c.3644C>T (p.Pro1215Leu)

Gene: PXDN (peroxidasin; minus strand). Cytogenetic location: 2p25.3.
Variant type: single nucleotide variant.
Coding change: c.3644C>T on transcript NM_012293.3 (MANE Select); coding-DNA position 3644, C replaced by T.
Protein change: p.Pro1215Leu; replaces proline 1215 with leucine.
Molecular consequence: missense variant.
Genome position (GRCh38, 1-based): chr2:1,644,717, G>A on the plus strand (C>T on the coding strand, the complement: PXDN is on the minus strand). VCF-style: chr2-1644717-G-A. GRCh37 (hg19) VCF-style: chr2-1648489-G-A.
Other names: short protein forms P1215L.
Identifiers: ClinVar variation 1521843 (VCV001521843.6), dbSNP rs748447804, ClinGen allele CA1512666.

ClinVar aggregate classification (germline): Uncertain significance (1 of 4 stars; one submission).

Conditions:
Anterior segment dysgenesis 7 (ASGD7). Also called: Anterior segment dysgenesis 7, with sclerocornea; SCLEROCORNEA WITH OTHER OCULAR ANOMALIES. Identifiers: Orphanet 289499, MedGen C3151617, MONDO:0010015, OMIM 269400.

Allele frequency attached by ClinVar (database versions not stated): TOPMed 0.00001; gnomAD 0.00004; gnomAD exomes 0.00004 and 0.00005; ExAC 0.00005.

Submission:

Labcorp Genetics (formerly Invitae), Labcorp
Classification: Uncertain significance for Anterior segment dysgenesis 7. Last evaluated: 2023-07-31. Review status: criteria provided, single submitter. Criteria: Invitae Variant Classification Sherloc (09022015). Collection method: clinical testing. Allele origin: germline.
Comment: This sequence change replaces proline, which is neutral and non-polar, with leucine, which is neutral and non-polar, at codon 1215 of the PXDN protein (p.Pro1215Leu). This variant is present in population databases (rs748447804, gnomAD 0.02%). This variant has not been reported in the literature in individuals affected with PXDN-related conditions. ClinVar contains an entry for this variant (Variation ID: 1521843). Advanced modeling of protein sequence and biophysical properties (such as structural, functional, and spatial information, amino acid conservation, physicochemical variation, residue mobility, and thermodynamic stability) has been performed at Invitae for this missense variant, however the output from this modeling did not meet the statistical confidence thresholds required to predict the impact of this variant on PXDN protein function. In summary, the available evidence is currently insufficient to determine the role of this variant in disease. Therefore, it has been classified as a Variant of Uncertain Significance.